The following is an entry in ClinVar:

ClinVar aggregate classification (germline): Uncertain significance. Review status: criteria provided, multiple submitters, no conflicts (2 of 4 stars). 3 submissions from 3 submitters: Uncertain significance (3). Last evaluated 2025-05-19.

Conditions:
Developmental and epileptic encephalopathy, 42 (DEE42A). Also called: Epileptic encephalopathy, early infantile, 42; DEVELOPMENTAL AND EPILEPTIC ENCEPHALOPATHY 42A; EPILEPTIC ENCEPHALOPATHY, EARLY INFANTILE, 42A. Identifiers: MedGen C4310716, MONDO:0014917, OMIM 617106.
Episodic ataxia type 2 (EA2). Also called: EPISODIC ATAXIA, NYSTAGMUS-ASSOCIATED; ATAXIA, EPISODIC, WITH NYSTAGMUS; ATAXIA, FAMILIAL PAROXYSMAL; CEREBELLAR ATAXIA, PAROXYSMAL, ACETAZOLAMIDE-RESPONSIVE; CEREBELLOPATHY, HEREDITARY PAROXYSMAL; ACETAZOLAMIDE-RESPONSIVE HEREDITARY PAROXYSMAL CEREBELLAR ATAXIA. Identifiers: Orphanet 97, MedGen C1720416, MONDO:0007163, OMIM 108500.

Allele frequency attached by ClinVar (database versions not stated): ExAC below 0.00001; gnomAD 0.00001; gnomAD exomes 0.00001; TOPMed 0.00001.
gnomAD v4.1: 12 of 1,603,726 alleles (0.00075%); highest among the groups gnomAD compares: African/African-American, 0.0027%; no homozygotes.

Submissions (3):

GeneDx
Classification: Uncertain significance. Last evaluated: 2025-05-19. Review status: criteria provided, single submitter. Criteria: GeneDx Variant Classification Process June 2021. Collection method: clinical testing. Allele origin: germline. Affected: yes.
Comment: Not observed at significant frequency in large population cohorts (gnomAD); In silico analysis supports that this missense variant has a deleterious effect on protein structure/function; Has not been previously published as pathogenic or benign to our knowledge

Labcorp Genetics (formerly Invitae), Labcorp
Classification: Uncertain significance for Developmental and epileptic encephalopathy, 42; Episodic ataxia type 2. Last evaluated: 2025-01-28. Review status: criteria provided, single submitter. Criteria: Invitae Variant Classification Sherloc (09022015). Collection method: clinical testing. Allele origin: germline.
Comment: This sequence change replaces alanine, which is neutral and non-polar, with threonine, which is neutral and polar, at codon 1541 of the CACNA1A protein (p.Ala1541Thr). This variant is present in population databases (rs761579946, gnomAD 0.003%). This variant has not been reported in the literature in individuals affected with CACNA1A-related conditions. ClinVar contains an entry for this variant (Variation ID: 650612). Invitae Evidence Modeling of protein sequence and biophysical properties (such as structural, functional, and spatial information, amino acid conservation, physicochemical variation, residue mobility, and thermodynamic stability) has been performed for this missense variant. However, the output from this modeling did not meet the statistical confidence thresholds required to predict the impact of this variant on CACNA1A protein function. In summary, the available evidence is currently insufficient to determine the role of this variant in disease. Therefore, it has been classified as a Variant of Uncertain Significance.

Blueprint Genetics
Classification: Uncertain significance. Last evaluated: 2022-05-02. Review status: criteria provided, single submitter. Criteria: ACMG Guidelines, 2015. Collection method: clinical testing. Allele origin: germline.

NM_001127222.2(CACNA1A):c.4618G>A (p.Ala1540Thr)

Gene: CACNA1A (calcium voltage-gated channel subunit alpha1 A; minus strand). Cytogenetic location: 19p13.13.
Variant type: single nucleotide variant.
Coding change: c.4618G>A on transcript NM_001127222.2 (MANE Select); coding-DNA position 4618, G replaced by A.
Protein change: p.Ala1540Thr; replaces alanine 1540 with threonine.
Molecular consequence: missense variant.
Genome position (GRCh38, 1-based): chr19:13,255,232, C>T on the plus strand (G>A on the coding strand, the complement: CACNA1A is on the minus strand). VCF-style: chr19-13255232-C-T. GRCh37 (hg19) VCF-style: chr19-13366046-C-T.
Other names: c.4630G>A, p.Ala1544Thr (NM_000068.4, NM_023035.3); c.4621G>A, p.Ala1541Thr (NM_001127221.2, NM_001174080.2); short protein forms A1540T, A1544T, A1541T.
Identifiers: ClinVar variation 650612 (VCV000650612.11), dbSNP rs761579946, ClinGen allele CA9239977.